The following is an entry in ClinVar:

ClinVar aggregate classification (germline): Uncertain significance. Review status: criteria provided, multiple submitters, no conflicts (2 of 4 stars). 3 submissions from 3 submitters: Uncertain significance (3). Last evaluated 2026-05-05.

Conditions:
Inborn genetic diseases. Identifiers: MedGen C0950123, MeSH D030342.
Cornelia de Lange syndrome 1 (CDLS1). Also called: Brachmann de Lange syndrome; NIPBL-Related Cornelia de Lange Syndrome; TYPUS DEGENERATIVUS AMSTELODAMENSIS. Identifiers: Orphanet 199, MedGen C4551851, MONDO:0007387, OMIM 122470.

Allele frequency attached by ClinVar (database versions not stated): gnomAD exomes below 0.00001 and 0.00001; TOPMed 0.00002; ExAC 0.00002; gnomAD 0.00001; ESP Exome Variant Server 0.00008.
gnomAD v4.1: 16 of 1,611,446 alleles (0.00099%); highest among the groups gnomAD compares: Non-Finnish European, 0.0012%; no homozygotes.

Submissions (3):

Ambry Genetics
Classification: Uncertain significance for Inborn genetic diseases. Last evaluated: 2026-05-05. Review status: criteria provided, single submitter. Criteria: Ambry Variant Classification Scheme 2023. Collection method: clinical testing. Allele origin: germline.
Comment: The c.5641A>G (p.T1881A) alteration is located in exon 30 (coding exon 29) of the NIPBL gene. This alteration results from a A to G substitution at nucleotide position 5641, causing the threonine (T) at amino acid position 1881 to be replaced by an alanine (A). Based on data from gnomAD, the G allele has an overall frequency of <0.001% (1/250868) total alleles studied. The highest observed frequency was 0.001% (1/113364) of European (non-Finnish) alleles. Based on insufficient or conflicting evidence, the clinical significance of this alteration remains unclear.

Labcorp Genetics (formerly Invitae), Labcorp
Classification: Uncertain significance for Cornelia de Lange syndrome 1. Last evaluated: 2024-09-11. Review status: criteria provided, single submitter. Criteria: Invitae Variant Classification Sherloc (09022015). Collection method: clinical testing. Allele origin: germline.
Comment: This sequence change replaces threonine, which is neutral and polar, with alanine, which is neutral and non-polar, at codon 1881 of the NIPBL protein (p.Thr1881Ala). This variant is present in population databases (rs376084993, gnomAD 0.002%). This variant has not been reported in the literature in individuals affected with NIPBL-related conditions. ClinVar contains an entry for this variant (Variation ID: 931681). Invitae Evidence Modeling of protein sequence and biophysical properties (such as structural, functional, and spatial information, amino acid conservation, physicochemical variation, residue mobility, and thermodynamic stability) has been performed for this missense variant. However, the output from this modeling did not meet the statistical confidence thresholds required to predict the impact of this variant on NIPBL protein function. In summary, the available evidence is currently insufficient to determine the role of this variant in disease. Therefore, it has been classified as a Variant of Uncertain Significance.

Centre for Mendelian Genomics, University Medical Centre Ljubljana
Classification: Uncertain significance for Cornelia de Lange syndrome 1. Last evaluated: 2019-10-01. Review status: criteria provided, single submitter. Criteria: ACMG Guidelines, 2015. Collection method: clinical testing. Allele origin: unknown. Affected: yes.
Comment: This variant was classified as: Uncertain significance. The available evidence on this variant's pathogenicity is insufficient or conflicting.

NM_133433.4(NIPBL):c.5641A>G (p.Thr1881Ala)

Gene: NIPBL (NIPBL cohesin loading factor; plus strand). Cytogenetic location: 5p13.2.
Variant type: single nucleotide variant.
Coding change: c.5641A>G on transcript NM_133433.4 (MANE Select); coding-DNA position 5641, A replaced by G.
Protein change: p.Thr1881Ala; replaces threonine 1881 with alanine.
Molecular consequence: missense variant.
Genome position (GRCh38, 1-based): chr5:37,024,651, A>G. VCF-style: chr5-37024651-A-G. GRCh37 (hg19) VCF-style: chr5-37024753-A-G.
Other names: c.5641A>G, p.Thr1881Ala (NM_015384.5); short protein forms T1881A.
Identifiers: ClinVar variation 931681 (VCV000931681.6), dbSNP rs376084993, ClinGen allele CA3236820.